The following is an entry in ClinVar:

NM_152594.3(SPRED1):c.1301G>T (p.Gly434Val)

Gene: SPRED1 (sprouty related EVH1 domain containing 1; plus strand). Cytogenetic location: 15q14.
Variant type: single nucleotide variant.
Coding change: c.1301G>T on transcript NM_152594.3 (MANE Select); coding-DNA position 1301, G replaced by T.
Protein change: p.Gly434Val; replaces glycine 434 with valine.
Molecular consequence: missense variant.
Genome position (GRCh38, 1-based): chr15:38,351,630, G>T. VCF-style: chr15-38351630-G-T. GRCh37 (hg19) VCF-style: chr15-38643831-G-T.
Other names: short protein forms G434V.
Identifiers: ClinVar variation 453028 (VCV000453028.11), dbSNP rs746414913, ClinGen allele CA7470261.

ClinVar aggregate classification (germline): Uncertain significance. Review status: criteria provided, multiple submitters, no conflicts (2 of 4 stars). 4 submissions from 4 submitters: Uncertain significance (4). Last evaluated 2026-01-11.

Conditions:
Cardiovascular phenotype. Identifiers: MedGen CN230736.
Legius syndrome. Identifiers: Orphanet 137605, MedGen C1969623, MONDO:0012669, OMIM 611431. Disease mechanism: loss of function.

Allele frequency attached by ClinVar (database versions not stated): ExAC 0.00001; gnomAD exomes 0.00001; TOPMed 0.00001.
gnomAD v4.1: 17 of 1,613,830 alleles (0.0011%); highest among the groups gnomAD compares: Non-Finnish European, 0.0014%; no homozygotes.

Submissions (4):

Labcorp Genetics (formerly Invitae), Labcorp
Classification: Uncertain significance for Legius syndrome. Last evaluated: 2026-01-11. Review status: criteria provided, single submitter. Criteria: Invitae Variant Classification Sherloc (09022015). Collection method: clinical testing. Allele origin: germline.
Comment: This sequence change replaces glycine, which is neutral and non-polar, with valine, which is neutral and non-polar, at codon 434 of the SPRED1 protein (p.Gly434Val). This variant is present in population databases (rs746414913, gnomAD 0.002%). This variant has not been reported in the literature in individuals affected with SPRED1-related conditions. ClinVar contains an entry for this variant (Variation ID: 453028). Invitae Evidence Modeling of protein sequence and biophysical properties (such as structural, functional, and spatial information, amino acid conservation, physicochemical variation, residue mobility, and thermodynamic stability) indicates that this missense variant is not expected to disrupt SPRED1 protein function with a negative predictive value of 80%. In summary, the available evidence is currently insufficient to determine the role of this variant in disease. Therefore, it has been classified as a Variant of Uncertain Significance.

Ambry Genetics
Classification: Uncertain significance for Cardiovascular phenotype. Last evaluated: 2025-08-19. Review status: criteria provided, single submitter. Criteria: Ambry Variant Classification Scheme 2023. Collection method: clinical testing. Allele origin: germline.

New York Genome Center
Classification: Uncertain significance for Legius syndrome. Last evaluated: 2021-01-14. Review status: criteria provided, single submitter. Criteria: NYGC Assertion Criteria 2020. Collection method: clinical testing. Allele origin: inherited. Observed: 1 heterozygote. Study: CSER-NYCKidSeq.

GeneDx
Classification: Uncertain significance. Last evaluated: 2020-11-16. Review status: criteria provided, single submitter. Criteria: GeneDx Variant Classification Process June 2021. Collection method: clinical testing. Allele origin: germline. Affected: yes.
Comment: In silico analysis supports that this missense variant has a deleterious effect on protein structure/function; Has not been previously published as pathogenic or benign to our knowledge